The following is an entry in ClinVar:

ClinVar aggregate classification (germline): Conflicting classifications of pathogenicity. Review status: criteria provided, conflicting classifications (1 of 4 stars). 3 submissions from 3 submitters: Uncertain significance (1); Likely benign (2). Last evaluated 2026-08-03.

Conditions:
Familial pulmonary capillary hemangiomatosis (PVOD2). Also called: Pulmonary venoocclusive disease 2; Pulmonary venoocclusive disease 2, autosomal recessive. Identifiers: Orphanet 199241, MedGen C0340848, MONDO:0009329, OMIM 234810.
EIF2AK4-related disorder. Also called: EIF2AK4-related condition.

Allele frequency attached by ClinVar (database versions not stated): gnomAD exomes 0.00004 and 0.00011; ExAC 0.00017; ESP Exome Variant Server 0.00042; 1000 Genomes Project 0.00060; 1000 Genomes Project 30x 0.00062; gnomAD 0.00063 and 0.00068; TOPMed 0.00068.
gnomAD v4.1: 161 of 1,614,120 alleles (0.01%); highest among the groups gnomAD compares: African/African-American, 0.2%; no homozygotes.

Submissions (3):

PreventionGenetics, part of Exact Sciences
Classification: Likely benign for EIF2AK4-related condition. Last evaluated: 2026-08-03. Review status: criteria provided, single submitter. Criteria: ACMG Guidelines, 2015. Collection method: clinical testing. Allele origin: germline.
Comment: This variant is classified as likely benign based on ACMG/AMP sequence variant interpretation guidelines (Richards et al. 2015 PMID: 25741868, with internal and published modifications).

Labcorp Genetics (formerly Invitae), Labcorp
Classification: Likely benign. Last evaluated: 2025-04-08. Review status: criteria provided, single submitter. Criteria: Invitae Variant Classification Sherloc (09022015). Collection method: clinical testing. Allele origin: germline.

ARUP Laboratories, Molecular Genetics and Genomics, ARUP Laboratories
Classification: Uncertain significance for Familial pulmonary capillary hemangiomatosis. Last evaluated: 2019-03-06. Review status: criteria provided, single submitter. Criteria: ARUP Molecular Germline Variant Investigation Process. Collection method: clinical testing. Allele origin: germline.
Comment: The p.Lys1617Lys variant (rs144332775) has not been reported in the medical literature, gene specific variation databases, nor has it been previously identified by our laboratory. This variant is listed in the Genome Aggregation Database (gnomAD) with a frequency of 0.2 percent in the African population (identified on 44 out of 24,200 chromosomes). This is a synonymous variant in a weakly conserved nucleotide, and computational analyses (Alamut v.2.11) predict that this variant may impact splicing by creating a novel cryptic donor splice site/weakening the nearby canonical splice site. Altogether, there is not enough evidence to classify the p.Lys1617Lys variant with certainty.

NM_001013703.4(EIF2AK4):c.4851A>G (p.Lys1617=)

Gene: EIF2AK4 (eukaryotic translation initiation factor 2 alpha kinase 4; plus strand). Cytogenetic location: 15q15.1.
Variant type: single nucleotide variant.
Coding change: c.4851A>G on transcript NM_001013703.4 (MANE Select); coding-DNA position 4851, A replaced by G.
Protein change: p.Lys1617=; no amino-acid change (lysine 1617 retained).
Molecular consequence: synonymous variant.
Genome position (GRCh38, 1-based): chr15:40,034,403, A>G. VCF-style: chr15-40034403-A-G. GRCh37 (hg19) VCF-style: chr15-40326604-A-G.
Other names: c.4851A>G (NM_001013703.3).
Identifiers: ClinVar variation 811299 (VCV000811299.13), dbSNP rs144332775, ClinGen allele CA7474790.